The following is an entry in ClinVar:

ClinVar aggregate classification (germline): Likely benign. Review status: criteria provided, multiple submitters, no conflicts (2 of 4 stars). 5 submissions from 5 submitters: Likely benign (4). 1 of the submissions does not count toward it. Last evaluated 2026-03-01.

Conditions:
FREM2-related disorder. Also called: FREM2-related condition.
Fraser syndrome 2 (FRASRS2). Identifiers: MedGen C4540036, MONDO:0054738, OMIM 617666.

Allele frequency attached by ClinVar (database versions not stated): gnomAD exomes 0.00113 and 0.00025; 1000 Genomes Project 0.00140; 1000 Genomes Project 30x 0.00172; gnomAD 0.00029 and 0.00036; TOPMed 0.00060; ExAC 0.00087.
gnomAD v4.1: 417 of 1,614,140 alleles (0.026%); highest among the groups gnomAD compares: Admixed American, 0.53%; 1 homozygote.

Submissions (5):

CeGaT Center for Human Genetics Tuebingen
Classification: Likely benign. Last evaluated: 2026-03-01. Review status: criteria provided, single submitter. Criteria: CeGaT Center For Human Genetics Tuebingen Variant Classification Criteria Version 2. Collection method: clinical testing. Allele origin: germline. Affected: yes. Observed: 1 variant allele.
Comment: FREM2: BP4, BS2

Labcorp Genetics (formerly Invitae), Labcorp
Classification: Likely benign. Last evaluated: 2026-02-01. Review status: criteria provided, single submitter. Criteria: Invitae Variant Classification Sherloc (09022015). Collection method: clinical testing. Allele origin: germline.

Illumina Laboratory Services, Illumina
Classification: Likely benign for Fraser syndrome 2. Last evaluated: 2018-01-13. Review status: criteria provided, single submitter. Criteria: ICSL Variant Classification Criteria 13 December 2019. Collection method: clinical testing. Allele origin: germline.
Comment: This variant was observed in the ICSL laboratory as part of a predisposition screen in an ostensibly healthy population. It had not been previously curated by ICSL or reported in the Human Gene Mutation Database (HGMD: prior to June 1st, 2018), and was therefore a candidate for classification through an automated scoring system. Utilizing variant allele frequency, disease prevalence and penetrance estimates, and inheritance mode, an automated score was calculated to assess if this variant is too frequent to cause the disease. Based on the score and internal cut-off values, a variant classified as likely benign is not then subjected to further curation. The score for this variant resulted in a classification of likely benign for this disease.

Breakthrough Genomics
Classification: Likely benign. Review status: criteria provided, single submitter. Criteria: ACMG Guidelines, 2015. Collection method: not provided. Allele origin: germline. Inheritance: Autosomal recessive inheritance. Affected: yes.

PreventionGenetics, part of Exact Sciences
Classification: Benign for FREM2-related condition. Last evaluated: 2020-03-23. Review status: no assertion criteria provided. Collection method: clinical testing. Allele origin: germline. Not counted in ClinVar's aggregate classification.
Comment: This variant is classified as benign based on ACMG/AMP sequence variant interpretation guidelines (Richards et al. 2015 PMID: 25741868, with internal and published modifications).

NM_207361.6(FREM2):c.2480A>C (p.Asn827Thr)

Gene: FREM2 (FRAS1 related extracellular matrix 2; plus strand). Cytogenetic location: 13q13.3.
Variant type: single nucleotide variant.
Coding change: c.2480A>C on transcript NM_207361.6 (MANE Select); coding-DNA position 2480, A replaced by C.
Protein change: p.Asn827Thr; replaces asparagine 827 with threonine.
Molecular consequence: missense variant.
Genome position (GRCh38, 1-based): chr13:38,689,824, A>C. VCF-style: chr13-38689824-A-C. GRCh37 (hg19) VCF-style: chr13-39263961-A-C.
Other names: short protein forms N827T.
Identifiers: ClinVar variation 698134 (VCV000698134.20), dbSNP rs190810317, ClinGen allele CA6954620.